The following is an entry in ClinVar:

ClinVar aggregate classification (germline): Uncertain significance (1 of 4 stars; one submission).

Submission:

Labcorp Genetics (formerly Invitae), Labcorp
Classification: Uncertain significance. Last evaluated: 2023-05-01. Review status: criteria provided, single submitter. Criteria: Invitae Variant Classification Sherloc (09022015). Collection method: clinical testing. Allele origin: germline.
Comment: This sequence change replaces alanine, which is neutral and non-polar, with valine, which is neutral and non-polar, at codon 79 of the AP2S1 protein (p.Ala79Val). This variant is not present in population databases (gnomAD no frequency). In summary, the available evidence is currently insufficient to determine the role of this variant in disease. Therefore, it has been classified as a Variant of Uncertain Significance. An algorithm developed to predict the effect of missense changes on protein structure and function (PolyPhen-2) suggests that this variant is likely to be tolerated. This variant has not been reported in the literature in individuals affected with AP2S1-related conditions.

NM_004069.6(AP2S1):c.236C>T (p.Ala79Val)

Gene: AP2S1 (adaptor related protein complex 2 subunit sigma 1; minus strand). Cytogenetic location: 19q13.32.
Variant type: single nucleotide variant.
Coding change: c.236C>T on transcript NM_004069.6 (MANE Select); coding-DNA position 236, C replaced by T.
Protein change: p.Ala79Val; replaces alanine 79 with valine.
Molecular consequence: missense variant. On other transcripts: intron variant (1).
Genome position (GRCh38, 1-based): chr19:46,839,496, G>A on the plus strand (C>T on the coding strand, the complement: AP2S1 is on the minus strand). VCF-style: chr19-46839496-G-A. GRCh37 (hg19) VCF-style: chr19-47342753-G-A.
Other names: c.284C>T, p.Ala95Val (NM_001301076.3); c.278C>T, p.Ala93Val (NM_001301078.3); c.242C>T, p.Ala81Val (NM_001301081.3); c.154-697C>T (NM_021575.5); short protein forms A79V, A81V, A93V, A95V.
Identifiers: ClinVar variation 2998564 (VCV002998564.3), dbSNP rs2514059234, ClinGen allele CA406508955.
Genomic context (GRCh38, chr19:46,839,496, plus strand): 5'-CCCCACCTTACATCCCTCTCCCGCCGTACCTCCACGAAGTTGTGAATGGCCTCCAGGTAA[G>A]CCAGGTTGTTGTCATTGACATCCACACAGATGCAGAAGTAGAGGCCAGCATAGCGGCGGT-3'
Protein context (NP_004060.2, residues 69-89): ICVDVNDNNL[Ala79Val]YLEAIHNFVE